The following is an entry in ClinVar:

ClinVar aggregate classification (germline): Benign/Likely benign. Review status: criteria provided, multiple submitters, no conflicts (2 of 4 stars). 3 submissions from 3 submitters: Benign (1); Likely benign (2). Last evaluated 2025-05-15.

Conditions:
Tuberous sclerosis 2 (TSC2). Identifiers: Orphanet 805, MedGen C1860707, MONDO:0013199, OMIM 613254.
Hereditary cancer-predisposing syndrome. Also called: Hereditary Cancer Syndrome; Tumor predisposition; Neoplastic Syndromes, Hereditary; Hereditary neoplastic syndrome. Identifiers: Orphanet 140162, MedGen C0027672, MeSH D009386, MONDO:0015356.

Allele frequency attached by ClinVar (database versions not stated): TOPMed below 0.00001; gnomAD 0.00001.
gnomAD v4.1: 1 of 1,613,178 alleles (0.000062%); highest among the groups gnomAD compares: African/African-American, 0.0013%; no homozygotes.

Submissions (3):

Myriad Genetics, Inc.
Classification: Benign for Tuberous sclerosis 2. Last evaluated: 2025-05-15. Review status: criteria provided, single submitter. Criteria: Myriad Autosomal Dominant, Autosomal Recessive and X-Linked Classification Criteria (2023). Collection method: clinical testing. Allele origin: unknown.
Comment: This variant is considered benign. This variant is a silent/synonymous amino acid change and it is not expected to impact splicing.

Ambry Genetics
Classification: Likely benign for Hereditary cancer-predisposing syndrome. Last evaluated: 2024-11-16. Review status: criteria provided, single submitter. Criteria: Ambry Variant Classification Scheme 2023. Collection method: clinical testing. Allele origin: germline.

Labcorp Genetics (formerly Invitae), Labcorp
Classification: Likely benign for Tuberous sclerosis 2. Last evaluated: 2023-08-30. Review status: criteria provided, single submitter. Criteria: Invitae Variant Classification Sherloc (09022015). Collection method: clinical testing. Allele origin: germline.

NM_000548.5(TSC2):c.1803C>T (p.Ser601=)

Gene: TSC2 (TSC complex subunit 2; plus strand). Cytogenetic location: 16p13.3.
Variant type: single nucleotide variant.
Coding change: c.1803C>T on transcript NM_000548.5 (MANE Select); coding-DNA position 1803, C replaced by T.
Protein change: p.Ser601=; no amino-acid change (serine 601 retained).
Molecular consequence: synonymous variant.
Genome position (GRCh38, 1-based): chr16:2,070,542, C>T. VCF-style: chr16-2070542-C-T. GRCh37 (hg19) VCF-style: chr16-2120543-C-T.
Other names: c.1803C>T, p.Ser601= (NM_001077183.3, NM_001114382.3, NM_001363528.2 and 3 more transcripts); c.1692C>T, p.Ser564= (NM_001318827.2); c.1656C>T, p.Ser552= (NM_001318829.2); c.1203C>T, p.Ser401= (NM_001318831.2); c.1836C>T, p.Ser612= (NM_001318832.2); c.1803C>T (NM_000548.3).
Identifiers: ClinVar variation 1627704 (VCV001627704.11), dbSNP rs1044401463, ClinGen allele CA276735819.